The following is an entry in ClinVar:

NM_001908.5(CTSB):c.543G>A (p.Pro181=)

Gene: CTSB (cathepsin B). Cytogenetic location: 8p23.1.
Variant type: single nucleotide variant.
Coding change: c.543G>A on transcript NM_001908.5 (MANE Select); coding-DNA position 543, G replaced by A.
Protein change: p.Pro181=; no amino-acid change (proline 181 retained).
Molecular consequence: synonymous variant.
Genome position (GRCh38, 1-based): chr8:11,847,812, C>T on the plus strand (G>A on the coding strand, the complement: CTSB is on the minus strand). VCF-style: chr8-11847812-C-T. GRCh37 (hg19) VCF-style: chr8-11705321-C-T.
Other names: c.543G>A, p.Pro181= (NM_147783.4, NM_001384714.1, NM_001384723.1 and 8 more transcripts); c.171G>A, p.Pro57= (NM_001317237.2).
Identifiers: ClinVar variation 2658417 (VCV002658417.24), dbSNP rs151176081, ClinGen allele CA4632714.

ClinVar aggregate classification (germline): Likely benign (1 of 4 stars; one submission).

Allele frequency attached by ClinVar (database versions not stated): gnomAD exomes 0.00004; ESP Exome Variant Server 0.00031; 1000 Genomes Project 30x 0.00062; 1000 Genomes Project 0.00080.
gnomAD v4.1: 115 of 1,594,138 alleles (0.0072%); highest among the groups gnomAD compares: African/African-American, 0.12%; 1 homozygote.

Submission:

CeGaT Center for Human Genetics Tuebingen
Classification: Likely benign. Last evaluated: 2022-12-01. Review status: criteria provided, single submitter. Criteria: CeGaT Center For Human Genetics Tuebingen Variant Classification Criteria Version 2. Collection method: clinical testing. Allele origin: germline. Affected: yes. Observed: 1 variant allele.
Comment: CTSB: BP4, BP7